The following is an entry in ClinVar:

NM_002049.4(GATA1):c.201G>A (p.Glu67=)

Gene: GATA1 (GATA binding protein 1; plus strand). Cytogenetic location: Xp11.23.
Variant type: single nucleotide variant.
Coding change: c.201G>A on transcript NM_002049.4 (MANE Select); coding-DNA position 201, G replaced by A.
Protein change: p.Glu67=; no amino-acid change (glutamic acid 67 retained).
Molecular consequence: synonymous variant.
Genome position (GRCh38, 1-based): chrX:48,791,310, G>A. VCF-style: chrX-48791310-G-A. GRCh37 (hg19) VCF-style: chrX-48649717-G-A.
Other names: p.Glu67=.
Identifiers: ClinVar variation 695994 (VCV000695994.41), dbSNP rs61753429, ClinGen allele CA10404554.

ClinVar aggregate classification (germline): Benign/Likely benign. Review status: criteria provided, multiple submitters, no conflicts (2 of 4 stars). 5 submissions from 5 submitters: Benign (2); Likely benign (2). 1 of the submissions does not count toward it. Last evaluated 2026-01-14.

Conditions:
GATA1-related disorder. Also called: GATA1-related condition.
GATA binding protein 1 related thrombocytopenia with dyserythropoiesis. Also called: GATA1-Related Cytopenia; GATA1-Related X-Linked Cytopenia. Identifiers: MedGen C1845837, MONDO:0100089.
Diamond-Blackfan anemia. Also called: Blackfan Diamond syndrome; Aregenerative anemia chronic congenital; Red cell aplasia, pure hereditary; Congenital hypoplastic anemia; Aase syndrome. Identifiers: Orphanet 124, MedGen C1260899, MeSH D029503, MONDO:0015253, HP:0004810.

Allele frequency attached by ClinVar (database versions not stated): gnomAD exomes 0.00011 and 0.00036; ExAC 0.00059; gnomAD 0.00103 and 0.00109; TOPMed 0.00117; ESP Exome Variant Server 0.00142; 1000 Genomes Project 0.00185; 1000 Genomes Project 30x 0.00187.
gnomAD v4.1: 239 of 1,202,115 alleles (0.02%); highest among the groups gnomAD compares: African/African-American, 0.37%; no homozygotes.

Submissions (5):

Labcorp Genetics (formerly Invitae), Labcorp
Classification: Benign for GATA binding protein 1 related thrombocytopenia with dyserythropoiesis; Diamond-Blackfan anemia. Last evaluated: 2026-01-14. Review status: criteria provided, single submitter. Criteria: Invitae Variant Classification Sherloc (09022015). Collection method: clinical testing. Allele origin: germline.

Mayo Clinic Laboratories, Mayo Clinic
Classification: Benign. Last evaluated: 2025-07-15. Review status: criteria provided, single submitter. Criteria: ACMG Guidelines, 2015. Collection method: clinical testing. Allele origin: germline. Observed: 7 variant alleles.
Comment: BS1, BS2, BP4, BP7

CeGaT Center for Human Genetics Tuebingen
Classification: Likely benign. Last evaluated: 2023-05-01. Review status: criteria provided, single submitter. Criteria: CeGaT Center For Human Genetics Tuebingen Variant Classification Criteria Version 2. Collection method: clinical testing. Allele origin: germline. Affected: yes. Observed: 1 variant allele.
Comment: GATA1: BP4, BP7, BS2

Genetic Services Laboratory, University of Chicago
Classification: Likely benign. Last evaluated: 2019-07-24. Review status: criteria provided, single submitter. Criteria: ACMG Guidelines, 2015. Collection method: clinical testing. Allele origin: germline. Affected: no.

PreventionGenetics, part of Exact Sciences
Classification: Likely benign for GATA1-related condition. Last evaluated: 2019-04-03. Review status: no assertion criteria provided. Collection method: clinical testing. Allele origin: germline. Not counted in ClinVar's aggregate classification.
Comment: This variant is classified as likely benign based on ACMG/AMP sequence variant interpretation guidelines (Richards et al. 2015 PMID: 25741868, with internal and published modifications).